The following is an entry in ClinVar:

NM_198578.4(LRRK2):c.2964C>A (p.Asp988Glu)

Gene: LRRK2 (leucine rich repeat kinase 2; plus strand). Cytogenetic location: 12q12.
Variant type: single nucleotide variant.
Coding change: c.2964C>A on transcript NM_198578.4 (MANE Select); coding-DNA position 2964, C replaced by A.
Protein change: p.Asp988Glu; replaces aspartic acid 988 with glutamic acid.
Molecular consequence: missense variant.
Genome position (GRCh38, 1-based): chr12:40,295,512, C>A. VCF-style: chr12-40295512-C-A. GRCh37 (hg19) VCF-style: chr12-40689314-C-A.
Other names: short protein forms D988E.
Identifiers: ClinVar variation 1383393 (VCV001383393.6), dbSNP rs201980459, ClinGen allele CA6513791.

ClinVar aggregate classification (germline): Uncertain significance (1 of 4 stars; one submission).

Conditions:
Autosomal dominant Parkinson disease 8. Also called: Parkinson disease 8, susceptibility to; LRRK2-Related Parkinson Disease; Parkinson disease 8. Identifiers: Orphanet 411602, MedGen C1846862, MONDO:0011764, OMIM 607060.

Allele frequency attached by ClinVar (database versions not stated): TOPMed below 0.00001; ExAC 0.00001; gnomAD exomes 0.00001.
gnomAD v4.1: 4 of 1,613,916 alleles (0.00025%); highest among the groups gnomAD compares: South Asian, 0.0022%; no homozygotes.

Submission:

Labcorp Genetics (formerly Invitae), Labcorp
Classification: Uncertain significance for Autosomal dominant Parkinson disease 8. Last evaluated: 2023-01-18. Review status: criteria provided, single submitter. Criteria: Invitae Variant Classification Sherloc (09022015). Collection method: clinical testing. Allele origin: germline.
Comment: In summary, the available evidence is currently insufficient to determine the role of this variant in disease. Therefore, it has been classified as a Variant of Uncertain Significance. Advanced modeling of protein sequence and biophysical properties (such as structural, functional, and spatial information, amino acid conservation, physicochemical variation, residue mobility, and thermodynamic stability) has been performed at Invitae for this missense variant, however the output from this modeling did not meet the statistical confidence thresholds required to predict the impact of this variant on LRRK2 protein function. ClinVar contains an entry for this variant (Variation ID: 1383393). This variant has not been reported in the literature in individuals affected with LRRK2-related conditions. This variant is present in population databases (rs201980459, gnomAD 0.006%). This sequence change replaces aspartic acid, which is acidic and polar, with glutamic acid, which is acidic and polar, at codon 988 of the LRRK2 protein (p.Asp988Glu).